The following is an entry in ClinVar:

ClinVar aggregate classification (germline): Uncertain significance (1 of 4 stars; one submission).

Submission:

CeGaT Center for Human Genetics Tuebingen
Classification: Uncertain significance. Last evaluated: 2024-01-01. Review status: criteria provided, single submitter. Criteria: CeGaT Center For Human Genetics Tuebingen Variant Classification Criteria Version 2. Collection method: clinical testing. Allele origin: germline. Affected: yes. Observed: 1 variant allele.
Comment: CCDC78: PM2, BP4

NM_001378030.1(CCDC78):c.526C>G (p.Gln176Glu)

Gene: CCDC78 (coiled-coil domain containing 78; minus strand). Cytogenetic location: 16p13.3.
Variant type: single nucleotide variant.
Coding change: c.526C>G on transcript NM_001378030.1 (MANE Select); coding-DNA position 526, C replaced by G.
Protein change: p.Gln176Glu; replaces glutamine 176 with glutamic acid.
Molecular consequence: missense variant. On other transcripts: nonsense (1), non-coding transcript variant (5).
Genome position (GRCh38, 1-based): chr16:725,112, G>C on the plus strand (C>G on the coding strand, the complement: CCDC78 is on the minus strand). VCF-style: chr16-725112-G-C. GRCh37 (hg19) VCF-style: chr16-775112-G-C.
Other names: c.526C>G, p.Gln176Glu (NM_001031737.3, NM_001378031.1); c.164C>G, p.Ser55Ter (NM_001378033.1); short protein forms Q176E, S55*.
Identifiers: ClinVar variation 3026919 (VCV003026919.22), dbSNP rs2544032860, ClinGen allele CA394102352.